The following is an entry in ClinVar:

NM_001818.5(AKR1C4):c.929+4A>T

Gene: AKR1C4 (aldo-keto reductase family 1 member C4; plus strand). Cytogenetic location: 10p15.1.
Variant type: single nucleotide variant.
Coding change: c.929+4A>T on transcript NM_001818.5 (MANE Select); 4 bases into the intron after coding-DNA position 929, A replaced by T.
Molecular consequence: intron variant.
Genome position (GRCh38, 1-based): chr10:5,216,797, A>T. VCF-style: chr10-5216797-A-T. GRCh37 (hg19) VCF-style: chr10-5258760-A-T.
Identifiers: ClinVar variation 5001198 (VCV005001198.1).
Genomic context (GRCh38, chr10:5,216,797, plus strand): 5'-GGATATGAAAGTTCTAGATGGTCTAAACAGAAATTATCGATATGTTGTCATGGATTTGTA[A>T]GTAACTTTGGAAAATGGGTTTCCCAGTTTATTTTTAGAGGAGGAATGTCAGATGGGTGTT-3'

ClinVar aggregate classification (germline): Uncertain significance (1 of 4 stars; one submission).

Conditions:
AKR1C4-related disorder. Also called: AKR1C4-related condition.

Submission:

PreventionGenetics, part of Exact Sciences
Classification: Uncertain significance for AKR1C4-related condition. Last evaluated: 2025-08-19. Review status: criteria provided, single submitter. Criteria: ACMG Guidelines, 2015. Collection method: clinical testing. Allele origin: germline.
Comment: The AKR1C4 c.929+4A>T variant is predicted to interfere with splicing. This variant is predicted to impact splicing based on a splicing prediction program (SpliceAI, Jaganathan K, et al. 2019. PubMed ID: 30661751). To our knowledge, this variant has not been reported in the literature or in a large population database (gnomAD), indicating this variant is rare. At this time, the clinical significance of this variant is uncertain due to the absence of conclusive functional and genetic evidence.